The following is an entry in ClinVar:

ClinVar aggregate classification (germline): Uncertain significance (1 of 4 stars; one submission).

Conditions:
Glycogen storage disease IXb (GSD9B). Also called: GSD IXb; PHOSPHORYLASE KINASE DEFICIENCY OF LIVER AND MUSCLE, AUTOSOMAL RECESSIVE; GLYCOGENOSIS OF LIVER AND MUSCLE, AUTOSOMAL RECESSIVE. Identifiers: Orphanet 79240, MedGen C0543514, MONDO:0009868, OMIM 261750.

Submission:

Illumina Laboratory Services, Illumina
Classification: Uncertain significance for Glycogen storage disease IXb. Last evaluated: 2017-04-28. Review status: criteria provided, single submitter. Criteria: ICSL Variant Classification Criteria 13 December 2019. Collection method: clinical testing. Allele origin: germline.
Comment: This variant was observed as part of a predisposition screen in an ostensibly healthy population. A literature search was performed for the gene, cDNA change, and amino acid change (where applicable). Publications were found based on this search. However, the evidence from the literature, in combination with allele frequency data from public databases where available, was not sufficient to rule this variant in or out of causing disease. Therefore, this variant is classified as a variant of unknown significance.

Literature cited by the submitters: PubMed 18950708.

NM_000293.3(PHKB):c.1222A>C (p.Lys408Gln)

Gene: PHKB (phosphorylase kinase regulatory subunit beta; plus strand). Cytogenetic location: 16q12.1.
Variant type: single nucleotide variant.
Coding change: c.1222A>C on transcript NM_000293.3 (MANE Select); coding-DNA position 1222, A replaced by C.
Protein change: p.Lys408Gln; replaces lysine 408 with glutamine.
Molecular consequence: missense variant.
Genome position (GRCh38, 1-based): chr16:47,596,390, A>C. VCF-style: chr16-47596390-A-C. GRCh37 (hg19) VCF-style: chr16-47630301-A-C.
Other names: c.1201A>C, p.Lys401Gln (NM_001031835.3); c.1222A>C, p.Lys408Gln (NM_001363837.1); short protein forms K401Q, K408Q.
Identifiers: ClinVar variation 888051 (VCV000888051.4), dbSNP rs1372877925, ClinGen allele CA395799681.